The following is an entry in ClinVar:

ClinVar aggregate classification (germline): Uncertain significance (1 of 4 stars; one submission).

Conditions:
Myopathy, centronuclear, 2 (CNM2). Also called: MYOTUBULAR MYOPATHY, AUTOSOMAL RECESSIVE. Identifiers: Orphanet 169186, MedGen CN031787, MONDO:0009709, OMIM 255200.

Submission:

Labcorp Genetics (formerly Invitae), Labcorp
Classification: Uncertain significance for Myopathy, centronuclear, 2. Last evaluated: 2025-03-13. Review status: criteria provided, single submitter. Criteria: Invitae Variant Classification Sherloc (09022015). Collection method: clinical testing. Allele origin: germline.
Comment: This sequence change falls in intron 1 of the BIN1 gene. It does not directly change the encoded amino acid sequence of the BIN1 protein. It affects a nucleotide within the consensus splice site. This variant is not present in population databases (gnomAD no frequency). This variant has not been reported in the literature in individuals affected with BIN1-related conditions. Variants that disrupt the consensus splice site are a relatively common cause of aberrant splicing (PMID: 17576681, 9536098). Algorithms developed to predict the effect of sequence changes on RNA splicing suggest that this variant may disrupt the consensus splice site. In summary, the available evidence is currently insufficient to determine the role of this variant in disease. Therefore, it has been classified as a Variant of Uncertain Significance.

Literature cited by the submitters: PubMed 17576681; PubMed 9536098.

NM_139343.3(BIN1):c.84+5G>A

Gene: BIN1 (bridging integrator 1; minus strand). Cytogenetic location: 2q14.3.
Variant type: single nucleotide variant.
Coding change: c.84+5G>A on transcript NM_139343.3 (MANE Select); 5 bases into the intron after coding-DNA position 84, G replaced by A.
Molecular consequence: intron variant.
Genome position (GRCh38, 1-based): chr2:127,106,855, C>T on the plus strand (G>A on the coding strand, the complement: BIN1 is on the minus strand). VCF-style: chr2-127106855-C-T. GRCh37 (hg19) VCF-style: chr2-127864431-C-T.
Other names: c.84+5G>A (NM_139351.3, NM_139350.3, NM_139349.3 and 10 more transcripts).
Identifiers: ClinVar variation 4714718 (VCV004714718.1).